The following is an entry in ClinVar:

ClinVar aggregate classification (germline): Benign/Likely benign. Review status: criteria provided, multiple submitters, no conflicts (2 of 4 stars). 8 submissions from 8 submitters: Benign (5); Likely benign (3). Last evaluated 2026-02-02.

Conditions:
Thrombocytopenia 2 (THC2). Also called: ANKRD26-Related Thrombocytopenia. Identifiers: Orphanet 268322, MedGen C1861185, MONDO:0008555, OMIM 188000.

Allele frequency attached by ClinVar (database versions not stated): gnomAD exomes 0.00282; ExAC 0.00349; 1000 Genomes Project 0.00978; 1000 Genomes Project 30x 0.00984; gnomAD 0.01088 and 0.01174; ESP Exome Variant Server 0.01177; TOPMed 0.01272.
gnomAD v4.1: 3,253 of 1,613,946 alleles (0.2%); highest among the groups gnomAD compares: African/African-American, 3.8%; 70 homozygotes.

Submissions (8):

Labcorp Genetics (formerly Invitae), Labcorp
Classification: Benign. Last evaluated: 2026-02-02. Review status: criteria provided, single submitter. Criteria: Invitae Variant Classification Sherloc (09022015). Collection method: clinical testing. Allele origin: germline.

Blueprint Genetics
Classification: Likely benign. Last evaluated: 2024-11-26. Review status: criteria provided, single submitter. Criteria: ACMG Guidelines, 2015. Collection method: clinical testing. Allele origin: germline.

ARUP Laboratories, Molecular Genetics and Genomics, ARUP Laboratories
Classification: Benign for Thrombocytopenia 2. Last evaluated: 2024-10-17. Review status: criteria provided, single submitter. Criteria: ARUP Molecular Germline Variant Investigation Process 2024. Collection method: clinical testing. Allele origin: germline.

Mayo Clinic Laboratories, Mayo Clinic
Classification: Benign. Last evaluated: 2023-10-11. Review status: criteria provided, single submitter. Criteria: ACMG Guidelines, 2015. Collection method: clinical testing. Allele origin: germline. Observed: 10 variant alleles.
Comment: BS1, BS2, BP4

Genome-Nilou Lab
Classification: Benign for Thrombocytopenia 2. Last evaluated: 2021-12-05. Review status: criteria provided, single submitter. Criteria: ACMG Guidelines, 2015. Collection method: clinical testing. Allele origin: germline. Affected: no.

GeneDx
Classification: Likely benign. Last evaluated: 2021-06-17. Review status: criteria provided, single submitter. Criteria: GeneDx Variant Classification Process June 2021. Collection method: clinical testing. Allele origin: germline. Affected: yes.

Illumina Laboratory Services, Illumina
Classification: Benign for Thrombocytopenia 2. Last evaluated: 2018-01-13. Review status: criteria provided, single submitter. Criteria: ICSL Variant Classification Criteria 13 December 2019. Collection method: clinical testing. Allele origin: germline.
Comment: This variant was observed in the ICSL laboratory as part of a predisposition screen in an ostensibly healthy population. It had not been previously curated by ICSL or reported in the Human Gene Mutation Database (HGMD: prior to June 1st, 2018), and was therefore a candidate for classification through an automated scoring system. Utilizing variant allele frequency, disease prevalence and penetrance estimates, and inheritance mode, an automated score was calculated to assess if this variant is too frequent to cause the disease. Based on the score and internal cut-off values, a variant classified as benign is not then subjected to further curation. The score for this variant resulted in a classification of benign for this disease.

Breakthrough Genomics
Classification: Likely benign. Review status: criteria provided, single submitter. Criteria: ACMG Guidelines, 2015. Collection method: not provided. Allele origin: germline. Inheritance: Autosomal dominant inheritance. Affected: yes.

NM_014915.3(ANKRD26):c.2071T>C (p.Ser691Pro)

Gene: ANKRD26 (ankyrin repeat domain 26; minus strand). Cytogenetic location: 10p12.1.
Variant type: single nucleotide variant.
Coding change: c.2071T>C on transcript NM_014915.3 (MANE Select); coding-DNA position 2071, T replaced by C.
Protein change: p.Ser691Pro; replaces serine 691 with proline.
Molecular consequence: missense variant.
Genome position (GRCh38, 1-based): chr10:27,043,516, A>G on the plus strand (T>C on the coding strand, the complement: ANKRD26 is on the minus strand). VCF-style: chr10-27043516-A-G. GRCh37 (hg19) VCF-style: chr10-27332445-A-G.
Other names: p.Ser691Pro; c.2068T>C, p.Ser690Pro (NM_001256053.2); short protein forms S691P, S690P.
Identifiers: ClinVar variation 299740 (VCV000299740.17), dbSNP rs73596345, ClinGen allele CA5448307.